The following is an entry in ClinVar:

ClinVar aggregate classification (germline): Uncertain significance (1 of 4 stars; one submission).

Submission:

Labcorp Genetics (formerly Invitae), Labcorp
Classification: Uncertain significance. Last evaluated: 2023-12-06. Review status: criteria provided, single submitter. Criteria: Invitae Variant Classification Sherloc (09022015). Collection method: clinical testing. Allele origin: germline.
Comment: This sequence change replaces valine with alanine at codon 383 of the SLC46A1 protein (p.Val383Ala). The valine residue is highly conserved and there is a small physicochemical difference between valine and alanine. This variant is not present in population databases (gnomAD no frequency). This variant has not been reported in the literature in individuals affected with SLC46A1-related conditions. ClinVar contains an entry for this variant (Variation ID: 1469805). Advanced modeling of protein sequence and biophysical properties (such as structural, functional, and spatial information, amino acid conservation, physicochemical variation, residue mobility, and thermodynamic stability) performed at Invitae indicates that this missense variant is not expected to disrupt SLC46A1 protein function with a negative predictive value of 80%. In summary, the available evidence is currently insufficient to determine the role of this variant in disease. Therefore, it has been classified as a Variant of Uncertain Significance.

NM_080669.6(SLC46A1):c.1148T>C (p.Val383Ala)

Genes: SARM1 (sterile alpha and TIR motif containing 1; plus strand), SLC46A1 (solute carrier family 46 member 1; minus strand). Cytogenetic location: 17q11.2.
Variant type: single nucleotide variant.
Coding change: c.1148T>C on transcript NM_080669.6 (MANE Select); coding-DNA position 1148, T replaced by C.
Protein change: p.Val383Ala; replaces valine 383 with alanine.
Molecular consequence: missense variant. On other transcripts: 3 prime UTR variant (1), intron variant (1).
Genome position (GRCh38, 1-based): chr17:28,402,255, A>G on the plus strand (T>C on the coding strand, the complement: SLC46A1 is on the minus strand). VCF-style: chr17-28402255-A-G. GRCh37 (hg19) VCF-style: chr17-26729273-A-G.
Other names: c.*5969A>G (NM_015077.4); c.1082-1489T>C (NM_001242366.3); short protein forms V383A.
Identifiers: ClinVar variation 1469805 (VCV001469805.6), dbSNP rs1047300757, ClinGen allele CA289113120.